The following is an entry in ClinVar:

NM_000023.4(SGCA):c.747+3G>A

Gene: SGCA (sarcoglycan alpha; plus strand). Cytogenetic location: 17q21.33.
Variant type: single nucleotide variant.
Coding change: c.747+3G>A on transcript NM_000023.4 (MANE Select); 3 bases into the intron after coding-DNA position 747, G replaced by A.
Molecular consequence: intron variant.
Genome position (GRCh38, 1-based): chr17:50,169,257, G>A. VCF-style: chr17-50169257-G-A. GRCh37 (hg19) VCF-style: chr17-48246618-G-A.
Other names: c.584+685G>A (NM_001135697.3); c.747+3G>A (LRG_203t1).
Identifiers: ClinVar variation 649941 (VCV000649941.7), dbSNP rs368388538, ClinGen allele CA8643871.

ClinVar aggregate classification (germline): Uncertain significance. Review status: criteria provided, multiple submitters, no conflicts (2 of 4 stars). 3 submissions from 3 submitters: Uncertain significance (2). 1 of the submissions does not count toward it. Last evaluated 2024-09-09.

Conditions:
Autosomal recessive limb-girdle muscular dystrophy type 2D (LGMDR3). Also called: MUSCULAR DYSTROPHY, LIMB-GIRDLE, AUTOSOMAL RECESSIVE 3; DUCHENNE-LIKE AUTOSOMAL RECESSIVE MUSCULAR DYSTROPHY, TYPE 2; ADHALINOPATHY, PRIMARY. Identifiers: Orphanet 62, MedGen C2936332, MONDO:0011968, OMIM 608099. Disease mechanism: Affects gamma-sarcoglycan and also disrupts the integrity of the entire sarcoglycan complex..

Allele frequency attached by ClinVar (database versions not stated): gnomAD exomes below 0.00001 and 0.00001; gnomAD 0.00001; TOPMed 0.00002; ExAC 0.00003; ESP Exome Variant Server 0.00008.
gnomAD v4.1: 4 of 1,609,324 alleles (0.00025%); highest among the groups gnomAD compares: African/African-American, 0.004%; no homozygotes.

Submissions (3):

Women's Health and Genetics/Laboratory Corporation of America, LabCorp
Classification: Uncertain significance. Last evaluated: 2024-09-09. Review status: criteria provided, single submitter. Criteria: LabCorp Variant Classification Summary - May 2015. Collection method: clinical testing. Allele origin: germline.

Labcorp Genetics (formerly Invitae), Labcorp
Classification: Uncertain significance for Autosomal recessive limb-girdle muscular dystrophy type 2D. Last evaluated: 2018-10-14. Review status: criteria provided, single submitter. Criteria: Invitae Variant Classification Sherloc (09022015). Collection method: clinical testing. Allele origin: germline.
Comment: This sequence change falls in intron 6 of the SGCA gene. It does not directly change the encoded amino acid sequence of the SGCA protein, but it affects a nucleotide within the consensus splice site of the intron. This variant is present in population databases (rs368388538, ExAC 0.02%). This variant has not been reported in the literature in individuals with SGCA-related disease. Nucleotide substitutions within the consensus splice site are a relatively common cause of aberrant splicing (PMID: 17576681, 9536098). Algorithms developed to predict the effect of sequence changes on RNA splicing suggest that this variant is not likely to affect RNA splicing, but this prediction has not been confirmed by published transcriptional studies. In summary, the available evidence is currently insufficient to determine the role of this variant in disease. Therefore, it has been classified as a Variant of Uncertain Significance.

Natera, Inc.
Classification: Uncertain significance for Limb-girdle muscular dystrophy type 2D. Last evaluated: 2021-06-28. Review status: no assertion criteria provided. Collection method: clinical testing. Allele origin: germline. Not counted in ClinVar's aggregate classification.

Literature cited by the submitters: PubMed 17576681 (cited by Labcorp Genetics (formerly Invitae), Labcorp); PubMed 9536098 (cited by Labcorp Genetics (formerly Invitae), Labcorp).